The following is an entry in ClinVar:

NM_020436.5(SALL4):c.2579C>T (p.Ala860Val)

Gene: SALL4 (spalt like transcription factor 4; minus strand). Cytogenetic location: 20q13.2.
Variant type: single nucleotide variant.
Coding change: c.2579C>T on transcript NM_020436.5 (MANE Select); coding-DNA position 2579, C replaced by T.
Protein change: p.Ala860Val; replaces alanine 860 with valine.
Molecular consequence: missense variant.
Genome position (GRCh38, 1-based): chr20:51,789,024, G>A on the plus strand (C>T on the coding strand, the complement: SALL4 is on the minus strand). VCF-style: chr20-51789024-G-A. GRCh37 (hg19) VCF-style: chr20-50405563-G-A.
Other names: c.1268C>T, p.Ala423Val (NM_001318031.2); short protein forms A423V, A860V.
Identifiers: ClinVar variation 4705124 (VCV004705124.1).

ClinVar aggregate classification (germline): Uncertain significance (1 of 4 stars; one submission).

Conditions:
Duane-radial ray syndrome (DRRS). Also called: ACRORENOOCULAR SYNDROME; DR SYNDROME; DUANE ANOMALY WITH RADIAL RAY ABNORMALITIES AND DEAFNESS; Okihiro Syndrome; Duane-Radial Ray Syndrome/Okihiro Syndrome; Duane-Radial Ray Syndrome (DRRS) / Okihiro Syndrome. Identifiers: Orphanet 93293, Orphanet 959, MedGen C1623209, MONDO:0011812, OMIM 607323. Disease mechanism: gain of function.

Submission:

Labcorp Genetics (formerly Invitae), Labcorp
Classification: Uncertain significance for Duane-radial ray syndrome. Last evaluated: 2025-04-19. Review status: criteria provided, single submitter. Criteria: Invitae Variant Classification Sherloc (09022015). Collection method: clinical testing. Allele origin: germline.
Comment: This sequence change replaces alanine, which is neutral and non-polar, with valine, which is neutral and non-polar, at codon 860 of the SALL4 protein (p.Ala860Val). This variant is present in population databases (rs764254182, gnomAD 0.01%). This variant has not been reported in the literature in individuals affected with SALL4-related conditions. An algorithm developed to predict the effect of missense changes on protein structure and function outputs the following: PolyPhen-2: "Benign". The valine amino acid residue is found in multiple mammalian species, which suggests that this missense change does not adversely affect protein function. In summary, the available evidence is currently insufficient to determine the role of this variant in disease. Therefore, it has been classified as a Variant of Uncertain Significance.